The following is an entry in ClinVar:

ClinVar aggregate classification (germline): Uncertain significance (1 of 4 stars; one submission).

Conditions:
Epilepsy, familial focal, with variable foci 3 (FFEVF3). Identifiers: MedGen C4310708, MONDO:0014925, OMIM 617118.

Submission:

Labcorp Genetics (formerly Invitae), Labcorp
Classification: Uncertain significance for Epilepsy, familial focal, with variable foci 3. Last evaluated: 2024-01-29. Review status: criteria provided, single submitter. Criteria: Invitae Variant Classification Sherloc (09022015). Collection method: clinical testing. Allele origin: germline.
Comment: This sequence change replaces isoleucine, which is neutral and non-polar, with serine, which is neutral and polar, at codon 529 of the NPRL3 protein (p.Ile529Ser). This variant is not present in population databases (gnomAD no frequency). This variant has not been reported in the literature in individuals affected with NPRL3-related conditions. Advanced modeling of protein sequence and biophysical properties (such as structural, functional, and spatial information, amino acid conservation, physicochemical variation, residue mobility, and thermodynamic stability) performed at Invitae indicates that this missense variant is expected to disrupt NPRL3 protein function with a positive predictive value of 80%. In summary, the available evidence is currently insufficient to determine the role of this variant in disease. Therefore, it has been classified as a Variant of Uncertain Significance.

NM_001077350.3(NPRL3):c.1586T>G (p.Ile529Ser)

Gene: NPRL3 (NPR3 like, GATOR1 complex subunit; minus strand). Cytogenetic location: 16p13.3.
Variant type: single nucleotide variant.
Coding change: c.1586T>G on transcript NM_001077350.3 (MANE Select); coding-DNA position 1586, T replaced by G.
Protein change: p.Ile529Ser; replaces isoleucine 529 with serine.
Molecular consequence: missense variant.
Genome position (GRCh38, 1-based): chr16:86,829, A>C on the plus strand (T>G on the coding strand, the complement: NPRL3 is on the minus strand). VCF-style: chr16-86829-A-C. GRCh37 (hg19) VCF-style: chr16-136828-A-C.
Other names: c.1049T>G, p.Ile350Ser (NM_001039476.3); c.1352T>G, p.Ile451Ser (NM_001243247.2); c.1511T>G, p.Ile504Ser (NM_001243248.2, NM_001243249.2); short protein forms I504S, I350S, I451S, I529S.
Identifiers: ClinVar variation 2720220 (VCV002720220.3), dbSNP rs2542791581, ClinGen allele CA394045351.